The following is an entry in ClinVar:

ClinVar aggregate classification (germline): Uncertain significance (1 of 4 stars; one submission).

Conditions:
Hereditary cancer-predisposing syndrome. Also called: Neoplastic Syndromes, Hereditary; Tumor predisposition; Hereditary Cancer Syndrome; Hereditary neoplastic syndrome. Identifiers: Orphanet 140162, MedGen C0027672, MeSH D009386, MONDO:0015356.

Submission:

Ambry Genetics
Classification: Uncertain significance for Hereditary cancer-predisposing syndrome. Last evaluated: 2026-03-07. Review status: criteria provided, single submitter. Criteria: Ambry Variant Classification Scheme 2023. Collection method: clinical testing. Allele origin: germline.
Comment: The p.G35A variant (also known as c.104G>C), located in coding exon 1 of the ALK gene, results from a G to C substitution at nucleotide position 104. The glycine at codon 35 is replaced by alanine, an amino acid with similar properties. This amino acid position is conserved. In addition, this alteration is predicted to be tolerated by in silico analysis. Based on the available evidence, the clinical significance of this variant remains unclear.

NM_004304.5(ALK):c.104G>C (p.Gly35Ala)

Gene: ALK (ALK receptor tyrosine kinase; minus strand). Cytogenetic location: 2p23.1.
Variant type: single nucleotide variant.
Coding change: c.104G>C on transcript NM_004304.5 (MANE Select); coding-DNA position 104, G replaced by C.
Protein change: p.Gly35Ala; replaces glycine 35 with alanine.
Molecular consequence: missense variant.
Genome position (GRCh38, 1-based): chr2:29,920,556, C>G on the plus strand (G>C on the coding strand, the complement: ALK is on the minus strand). VCF-style: chr2-29920556-C-G. GRCh37 (hg19) VCF-style: chr2-30143422-C-G.
Other names: short protein forms G35A.
Identifiers: ClinVar variation 4827111 (VCV004827111.1).